The following is an entry in ClinVar:

NM_177438.3(DICER1):c.4097C>T (p.Pro1366Leu)

Gene: DICER1 (dicer 1, ribonuclease III; minus strand). Cytogenetic location: 14q32.13.
Variant type: single nucleotide variant.
Coding change: c.4097C>T on transcript NM_177438.3 (MANE Select); coding-DNA position 4097, C replaced by T.
Protein change: p.Pro1366Leu; replaces proline 1366 with leucine.
Molecular consequence: missense variant.
Genome position (GRCh38, 1-based): chr14:95,099,889, G>A on the plus strand (C>T on the coding strand, the complement: DICER1 is on the minus strand). VCF-style: chr14-95099889-G-A. GRCh37 (hg19) VCF-style: chr14-95566226-G-A.
Other names: c.4097C>T, p.Pro1366Leu (NM_001195573.1, NM_001271282.3, NM_001291628.2 and 1 more transcripts); short protein forms P1366L.
Identifiers: ClinVar variation 856601 (VCV000856601.13), dbSNP rs1890723476, ClinGen allele CA390872148.
Genomic context (GRCh38, chr14:95,099,889, plus strand): 5'-ACATAACCAGGAGGAAGCCAATTCACAGGGGGATCAAATATTGACACCACCATGCGGCTG[G>A]GTAGTCCCTTCTTTTTTCCAAGGCGATACAGATTACAGTTGCTGACCTTTAGCAGAAAAT-3'
Protein context (NP_803187.1, residues 1356-1376): LYRLGKKKGL[Pro1366Leu]SRMVVSIFDP

ClinVar aggregate classification (germline): Uncertain significance. Review status: criteria provided, multiple submitters, no conflicts (2 of 4 stars). 2 submissions from 2 submitters: Uncertain significance (2). Last evaluated 2019-07-01.

Conditions:
DICER1-related tumor predisposition. Also called: DICER1 syndrome; DICER1-related pleuropulmonary blastoma cancer predisposition syndrome. Identifiers: Orphanet 284343, MedGen C3839822, MONDO:0100216.

Submissions (2):

Foulkes Cancer Genetics LDI, Lady Davis Institute for Medical Research
Classification: Uncertain significance. Last evaluated: 2019-07-01. Review status: criteria provided, single submitter. Criteria: ACMG Guidelines, 2015. Collection method: curation. Allele origin: somatic. Affected: yes. Observed: 1 variant allele.
Comment: ACMG criteria met: PM1, PM2, BP1

Labcorp Genetics (formerly Invitae), Labcorp
Classification: Uncertain significance for DICER1-related tumor predisposition. Last evaluated: 2019-04-10. Review status: criteria provided, single submitter. Criteria: Invitae Variant Classification Sherloc (09022015). Collection method: clinical testing. Allele origin: germline.
Comment: Algorithms developed to predict the effect of missense changes on protein structure and function (SIFT, PolyPhen-2, Align-GVGD) all suggest that this variant is likely to be disruptive, but these predictions have not been confirmed by published functional studies and their clinical significance is uncertain. In summary, the available evidence is currently insufficient to determine the role of this variant in disease. Therefore, it has been classified as a Variant of Uncertain Significance. This variant has not been reported in the literature in individuals with DICER1-related conditions. This variant is not present in population databases (ExAC no frequency). This sequence change replaces proline with leucine at codon 1366 of the DICER1 protein (p.Pro1366Leu). The proline residue is highly conserved and there is a moderate physicochemical difference between proline and leucine.

Literature cited by the submitters: PubMed 30266945 (cited by Foulkes Cancer Genetics LDI, Lady Davis Institute for Medical Research).